The following is an entry in ClinVar:

ClinVar aggregate classification (germline): Likely pathogenic (1 of 4 stars; one submission).

Conditions:
Familial long QT syndrome (RWS). Also called: Romano-Ward syndrome; VENTRICULAR FIBRILLATION WITH PROLONGED QT INTERVAL; Congenital long QT syndrome. Identifiers: Orphanet 768, MedGen C1141890, MONDO:0019171.

Submission:

Laboratory for Molecular Medicine, Mass General Brigham Personalized Medicine
Classification: Likely pathogenic for Familial long QT syndrome. Last evaluated: 2019-01-28. Review status: criteria provided, single submitter. Criteria: ACMG Guidelines, 2015. Collection method: clinical testing. Allele origin: germline.
Comment: The p.Val377fs variant in KCNH2 has not been previously reported in individuals with Long QT syndrome or in large population studies. This variant is predicted to cause a frameshift, which alters the protein’s amino acid sequence beginning at position 377 and leads to a premature termination codon 11 amino acids downstream. This alteration is then predicted to lead to a truncated or absent protein. In summary, although additional studies are required to fully establish its clinical significance, the p.Val377fs variant is likely pathogenic.

NC_000007.14:g.150952854dup

Gene: KCNH2 (potassium voltage-gated channel subfamily H member 2; minus strand). Cytogenetic location: 7q36.1.
Variant type: Duplication.
Genome position: GRCh38 VCF-style: chr7-150952852-A-AC. GRCh37 (hg19) VCF-style: chr7-150649940-A-AC.
Identifiers: ClinVar variation 3076042 (VCV003076042.1), dbSNP rs2486051757, ClinGen allele CA913188259.